The following is an entry in ClinVar:

NM_016599.5(MYOZ2):c.749C>T (p.Thr250Ile)

Gene: MYOZ2 (myozenin 2; plus strand). Cytogenetic location: 4q26.
Variant type: single nucleotide variant.
Coding change: c.749C>T on transcript NM_016599.5 (MANE Select); coding-DNA position 749, C replaced by T.
Protein change: p.Thr250Ile; replaces threonine 250 with isoleucine.
Molecular consequence: missense variant.
Genome position (GRCh38, 1-based): chr4:119,186,154, C>T. VCF-style: chr4-119186154-C-T. GRCh37 (hg19) VCF-style: chr4-120107309-C-T.
Other names: short protein forms T250I.
Identifiers: ClinVar variation 520376 (VCV000520376.15), dbSNP rs774131437, ClinGen allele CA3058702.

ClinVar aggregate classification (germline): Uncertain significance. Review status: criteria provided, multiple submitters, no conflicts (2 of 4 stars). 3 submissions from 3 submitters: Uncertain significance (3). Last evaluated 2026-03-01.

Conditions:
Cardiovascular phenotype. Identifiers: MedGen CN230736.
Hypertrophic cardiomyopathy. Also called: HYPERTROPHIC MYOCARDIOPATHY. Identifiers: Orphanet 217569, MedGen C0007194, MeSH D002312, MONDO:0005045, HP:0001639.

Allele frequency attached by ClinVar (database versions not stated): ExAC 0.00001; gnomAD 0.00001; gnomAD exomes 0.00001; TOPMed 0.00002.

Submissions (3):

CeGaT Center for Human Genetics Tuebingen
Classification: Uncertain significance. Last evaluated: 2026-03-01. Review status: criteria provided, single submitter. Criteria: CeGaT Center For Human Genetics Tuebingen Variant Classification Criteria Version 2. Collection method: clinical testing. Allele origin: germline. Affected: yes. Observed: 1 variant allele.
Comment: MYOZ2: PM2, PS4:Supporting, BP4

Ambry Genetics
Classification: Uncertain significance for Cardiovascular phenotype. Last evaluated: 2024-10-08. Review status: criteria provided, single submitter. Criteria: Ambry Variant Classification Scheme 2023. Collection method: clinical testing. Allele origin: germline.
Comment: The p.T250I variant (also known as c.749C>T), located in coding exon 5 of the MYOZ2 gene, results from a C to T substitution at nucleotide position 749. The threonine at codon 250 is replaced by isoleucine, an amino acid with similar properties. This amino acid position is not well conserved in available vertebrate species. In addition, this alteration is predicted to be tolerated by in silico analysis. The evidence for this gene-disease relationship is limited; therefore, the clinical significance of this alteration is unclear.

Labcorp Genetics (formerly Invitae), Labcorp
Classification: Uncertain significance for Hypertrophic cardiomyopathy. Last evaluated: 2024-02-05. Review status: criteria provided, single submitter. Criteria: Invitae Variant Classification Sherloc (09022015). Collection method: clinical testing. Allele origin: germline.
Comment: This sequence change replaces threonine, which is neutral and polar, with isoleucine, which is neutral and non-polar, at codon 250 of the MYOZ2 protein (p.Thr250Ile). This variant is present in population databases (rs774131437, gnomAD 0.002%). This missense change has been observed in individual(s) with left ventricular hypertrabeculation (PMID: 28798025). ClinVar contains an entry for this variant (Variation ID: 520376). Experimental studies and prediction algorithms are not available or were not evaluated, and the functional significance of this variant is currently unknown. In summary, the available evidence is currently insufficient to determine the role of this variant in disease. Therefore, it has been classified as a Variant of Uncertain Significance.

Literature cited by the submitters: PubMed 28798025 (cited by Labcorp Genetics (formerly Invitae), Labcorp).